The following is an entry in ClinVar:

NM_001365480.1(CCDC88A):c.2131del (p.Glu711fs)

Gene: CCDC88A (coiled-coil and HOOK domain protein 88A; minus strand). Cytogenetic location: 2p16.1.
Variant type: Deletion.
Coding change: c.2131del on transcript NM_001365480.1 (MANE Select); coding-DNA position 2131, one base deleted (G; older notation c.2131delG).
Protein change: p.Glu711fs; shifts the reading frame from glutamic acid 711.
Molecular consequence: frameshift variant.
Genome position (GRCh38, 1-based): chr2:55,334,690, C deleted on the plus strand (G on the coding strand, the reverse complement: CCDC88A is on the minus strand). VCF-style (leftmost placement, unchanged base first): chr2-55334689-TC-T. GRCh37 (hg19) VCF-style: chr2-55561825-TC-T.
Other names: c.2131del, p.Glu711fs (NM_001135597.2, NM_001254943.2, NM_018084.5); short protein forms E711fs.
Identifiers: ClinVar variation 2124976 (VCV002124976.4), dbSNP rs2544836344, ClinGen allele CA2580067435.

ClinVar aggregate classification (germline): Pathogenic (1 of 4 stars; one submission).

Submission:

Labcorp Genetics (formerly Invitae), Labcorp
Classification: Pathogenic. Last evaluated: 2022-04-11. Review status: criteria provided, single submitter. Criteria: Invitae Variant Classification Sherloc (09022015). Collection method: clinical testing. Allele origin: germline.
Comment: This sequence change creates a premature translational stop signal (p.Glu711Asnfs*3) in the CCDC88A gene. It is expected to result in an absent or disrupted protein product. Loss-of-function variants in CCDC88A are known to be pathogenic (PMID: 26917597, 30392057). This variant is not present in population databases (gnomAD no frequency). This variant has not been reported in the literature in individuals affected with CCDC88A-related conditions. For these reasons, this variant has been classified as Pathogenic.

Literature cited by the submitters: PubMed 26917597; PubMed 30392057.